The following is an entry in ClinVar:

ClinVar aggregate classification (germline): Uncertain significance (1 of 4 stars; one submission).

Conditions:
Polyhydramnios, megalencephaly, and symptomatic epilepsy (PMSE). Also called: PMSE SYNDROME. Identifiers: Orphanet 500533, MedGen C1970203, MONDO:0012611, OMIM 611087.

Allele frequency attached by ClinVar (database versions not stated): gnomAD exomes 0.00001 and 0.00003; gnomAD 0.00003 and 0.00004; ExAC 0.00004; TOPMed 0.00006; ESP Exome Variant Server 0.00008.
gnomAD v4.1: 21 of 1,613,192 alleles (0.0013%); highest among the groups gnomAD compares: Middle Eastern, 0.018%; no homozygotes.

Submission:

Labcorp Genetics (formerly Invitae), Labcorp
Classification: Uncertain significance for Polyhydramnios, megalencephaly, and symptomatic epilepsy. Last evaluated: 2022-08-21. Review status: criteria provided, single submitter. Criteria: Invitae Variant Classification Sherloc (09022015). Collection method: clinical testing. Allele origin: germline.
Comment: This sequence change falls in intron 8 of the STRADA gene. It does not directly change the encoded amino acid sequence of the STRADA protein. It affects a nucleotide within the consensus splice site. This variant is present in population databases (rs372200946, gnomAD 0.02%). This variant has not been reported in the literature in individuals affected with STRADA-related conditions. ClinVar contains an entry for this variant (Variation ID: 570147). Variants that disrupt the consensus splice site are a relatively common cause of aberrant splicing (PMID: 17576681, 9536098). Algorithms developed to predict the effect of sequence changes on RNA splicing suggest that this variant may create or strengthen a splice site. In summary, the available evidence is currently insufficient to determine the role of this variant in disease. Therefore, it has been classified as a Variant of Uncertain Significance.

Literature cited by the submitters: PubMed 17576681; PubMed 9536098.

NM_001003787.4(STRADA):c.581+5G>A

Genes: STRADA (STE20 related adaptor alpha; minus strand), LOC125312417 (Sharpr-MPRA regulatory region 9817; plus strand). Cytogenetic location: 17q23.3.
Variant type: single nucleotide variant.
Coding change: c.581+5G>A on transcript NM_001003787.4 (MANE Select); 5 bases into the intron after coding-DNA position 581, G replaced by A.
Molecular consequence: intron variant.
Genome position (GRCh38, 1-based): chr17:63,710,486, C>T on the plus strand (G>A on the coding strand, the complement: STRADA is on the minus strand). VCF-style: chr17-63710486-C-T. GRCh37 (hg19) VCF-style: chr17-61787846-C-T.
Other names: c.470+5G>A (NM_001363789.1, NM_001003786.3, NM_153335.6); c.407+5G>A (NM_001363790.1, NM_001363791.1, NM_001003788.3); c.557+5G>A (NM_001363786.1); c.494+5G>A (NM_001165969.2, NM_001363787.1); c.449+5G>A (NM_001165970.2); c.581+5G>A (NM_001363788.1).
Identifiers: ClinVar variation 570147 (VCV000570147.6), dbSNP rs372200946, ClinGen allele CA8703357.